The following is an entry in ClinVar:

ClinVar aggregate classification (germline): Benign/Likely benign. Review status: criteria provided, multiple submitters, no conflicts (2 of 4 stars). 2 submissions from 2 submitters: Benign (1); Likely benign (1). Last evaluated 2024-11-08.

Conditions:
Hereditary spastic paraplegia 6 (SPG6). Also called: SPASTIC PARAPLEGIA 6, AUTOSOMAL DOMINANT. Identifiers: Orphanet 100988, MedGen C1838192, MONDO:0010878, OMIM 600363.

Allele frequency attached by ClinVar (database versions not stated): gnomAD 0.00026 and 0.00036; gnomAD exomes 0.00029 and 0.00073; TOPMed 0.00038; ExAC 0.00073; 1000 Genomes Project 30x 0.00219; 1000 Genomes Project 0.00240.
gnomAD v4.1: 477 of 1,610,854 alleles (0.03%); highest among the groups gnomAD compares: East Asian, 0.92%; 3 homozygotes.

Submissions (2):

Blueprint Genetics
Classification: Likely benign. Last evaluated: 2024-11-08. Review status: criteria provided, single submitter. Criteria: ACMG Guidelines, 2015. Collection method: clinical testing. Allele origin: germline.

Illumina Laboratory Services, Illumina
Classification: Benign for Hereditary spastic paraplegia 6. Last evaluated: 2018-01-13. Review status: criteria provided, single submitter. Criteria: ICSL Variant Classification Criteria 13 December 2019. Collection method: clinical testing. Allele origin: germline.
Comment: This variant was observed in the ICSL laboratory as part of a predisposition screen in an ostensibly healthy population. It had not been previously curated by ICSL or reported in the Human Gene Mutation Database (HGMD: prior to June 1st, 2018), and was therefore a candidate for classification through an automated scoring system. Utilizing variant allele frequency, disease prevalence and penetrance estimates, and inheritance mode, an automated score was calculated to assess if this variant is too frequent to cause the disease. Based on the score and internal cut-off values, a variant classified as benign is not then subjected to further curation. The score for this variant resulted in a classification of benign for this disease.

NM_144599.5(NIPA1):c.*11G>C

Gene: NIPA1 (NIPA magnesium transporter 1; plus strand). Cytogenetic location: 15q11.2.
Variant type: single nucleotide variant.
Coding change: c.*11G>C on transcript NM_144599.5 (MANE Select); 11 bases downstream of the stop codon, G replaced by C.
Molecular consequence: 3 prime UTR variant.
Genome position (GRCh38, 1-based): chr15:22,824,250, G>C. VCF-style: chr15-22824250-G-C. GRCh37 (hg19) VCF-style: chr15-23048818-C-G.
Other names: c.*11G>C (NM_001142275.1).
Identifiers: ClinVar variation 315420 (VCV000315420.6), dbSNP rs188393827, ClinGen allele CA7425962.
Genomic context (GRCh38, chr15:22,824,250, plus strand): 5'-TCAATTTCAACCTTGGGGAGATGAACAAATCTAATATGAAAACAGACTAGATTGCAATAG[G>C]AGCTTGGATGGTTCGAGGAATAGGCATTGGAGGTGGTTTCTGGCCGTGATTGGATGTGAA-3'